The following is an entry in ClinVar:

NM_001369.3(DNAH5):c.5753_5754insCAGATGTGTATAAGAG (p.Lys1918delinsAsnArgCysValTer)

Gene: DNAH5 (dynein axonemal heavy chain 5; minus strand). Cytogenetic location: 5p15.2.
Variant type: Insertion.
Coding change: c.5753_5754insCAGATGTGTATAAGAG on transcript NM_001369.3 (MANE Select); coding-DNA positions 5753 to 5754, CAGATGTGTATAAGAG inserted.
Protein change: p.Lys1918delinsAsnArgCysValTer.
Molecular consequence: nonsense.
Genome position: GRCh38 VCF-style: chr5-13839484-T-TCTCTTATACACATCTG. GRCh37 (hg19) VCF-style: chr5-13839593-T-TCTCTTATACACATCTG.
Identifiers: ClinVar variation 5010681 (VCV005010681.1).

ClinVar aggregate classification (germline): Pathogenic (1 of 4 stars; one submission).

Conditions:
Primary ciliary dyskinesia 3. Identifiers: Orphanet 244, MedGen C1837618, MONDO:0012085, OMIM 608644.

Submission:

Myriad Genetics, Inc.
Classification: Pathogenic for Primary ciliary dyskinesia 3. Last evaluated: 2024-05-14. Review status: criteria provided, single submitter. Criteria: Myriad Autosomal Dominant, Autosomal Recessive and X-Linked Classification Criteria (2023). Collection method: clinical testing. Allele origin: unknown.
Comment: NM_001369.2(DNAH5):c.5753_5754ins16(K1918Nfs*5) is expected to be pathogenic in the context of primary ciliary dyskinesia, DNAH5-related. This variant is predicted to lead to an abnormal or absent protein product due to the creation of a premature termination codon in DNAH5, a gene where loss-of-function variants are known to be pathogenic. Please note: this variant was assessed in the context of healthy population screening.